The following continues an entry in ClinVar:

UGT1A1*6

ClinVar aggregate classification (germline): Conflicting classifications of pathogenicity; drug response. Pathogenic (11); Likely pathogenic (6); Uncertain significance (4); Likely benign (4).

Submissions 10 to 20 of 31:

Rady Children's Institute for Genomic Medicine, Rady Children's Hospital San Diego
Classification: Likely pathogenic for UGT1A1-related disorders. Last evaluated: 2025-01-21. Review status: criteria provided, single submitter. Criteria: ACMG Guidelines, 2015. Collection method: clinical testing. Allele origin: germline. Affected: yes.
Comment: The c.211G>A (p.Gly71Arg) variant affects a weakly conserved amino acid and is predicted by multiple in silico tools to have a benign effect on protein function. This is a known variant that has been previously reported as a compound heterozygous and homozygous change in individuals with UGT1A1-related disorders including Gilbert's syndrome and Crigler-Najjar Syndrome Type II (PMID: 9630669, 15304120, 19830808, 23014115, 25993113, 26727668, 31737051, 34074250). Functional studies indicate this variant may lead to reduced UDP glycosyltransferase UGT1A1 activity (PMID: 9630669, 19830808). The c.211G>A (p.Gly71Arg) variant is present in the lastest version of the gnomAD population database at an allele frequency of 0.9% (14886/1614236) in the heterozygous state and is present in 811 individuals in the homozygous state. The c.211G>A (p.Gly71Arg) variant is observed at a higher allele frequency in the East Asian subpopulation in the gnomAD population database. Based on the available evidence, c.211G>A (p.Gly71Arg) is classified as Likely Pathogenic.

Women's Health and Genetics/Laboratory Corporation of America, LabCorp
Classification: Pathogenic for UGT1A1-Related Disorders. Last evaluated: 2024-12-19. Review status: criteria provided, single submitter. Criteria: LabCorp Variant Classification Summary - May 2015. Collection method: clinical testing. Allele origin: germline.
Comment: Variant summary: UGT1A1 c.211G>A (p.Gly71Arg), also referred to as UGT1A1*6, results in a non-conservative amino acid change in the encoded protein sequence. Three of five in-silico tools predict a benign effect of the variant on protein function. The variant allele was found at a frequency of 0.022 in 251430 control chromosomes, predominantly at a frequency of 0.15 within the East Asian subpopulation in the gnomAD database, including 234 homozygotes. The observed variant frequency within East Asian control individuals in the gnomAD database exceeds the estimated maximal expected allele frequency for a pathogenic variant in UGT1A1 causing UGT1A1-Related Disorders phenotype. However, this variant has been associated with Gilbert's syndrome, a mild unconjugated hyperbilirubinaemia in the absence of liver disease or overt hemolysis, which may frequently be undiagnosed and has been estimated to affect 2-12% of the general population (e.g. Monaghan_1996, Bosma_1995). c.211G>A has been reported in the literature in multiple homozygous and several compound heterozygous individuals affected with Gilbert's syndrome and in at least one homozygous control individual (e.g. Soeda_1995, Hsieh_2001, Mauro_2000, Chen_2014). It has also been reported in the heterozygous state in multiple affected individuals, but also in multiple heterozygous unaffected controls (e.g. Mauro_2000, Chen_2014). A case-control study reported that homozygous subjects had an approximately 15-fold increase in Gilbert's syndrome risk and it has been suggested that this variant in homozygosity is a common cause of the Gilbert phenotype in the Japanese population (e.g. Chen_2014, Kadakol_2000). These data indicate that the variant is likely to be associated with disease. Additionally, this variant has also been reported in cis with p.Tyr486Asp, and individuals homozygous for both variants present with the more severe CriglerNajjar syndrome type II phenotype (e.g. Yamamoto_1998). At least two publications report experimental evidence evaluating an impact of the variant on protein function in vitro and found it results in approximately 25-30% activity versus the WT protein (e.g. Yamamoto_1998, Sneitz_2010). The following publications have been ascertained in the context of this evaluation (PMID: 9630669, 9621515, 7491021, 11316168, 19830808, 11061796, 25200497, 7565971, 8596320, 11013440). ClinVar contains an entry for this variant (Variation ID: 12280). Based on the evidence outlined above, the variant was classified as pathogenic.

Department of Pathology and Laboratory Medicine, Sinai Health System
Classification: Pathogenic for Gilbert syndrome; Crigler-Najjar syndrome type 1; Lucey-Driscoll syndrome; Crigler-Najjar syndrome, type II. Last evaluated: 2024-12-10. Review status: criteria provided, single submitter. Criteria: ACMG Guidelines, 2015. Collection method: clinical testing. Allele origin: germline.

GeneDx
Classification: Pathogenic. Last evaluated: 2022-09-15. Review status: criteria provided, single submitter. Criteria: GeneDx Variant Classification Process June 2021. Collection method: clinical testing. Allele origin: germline. Affected: yes.
Comment: Published functional studies demonstrate a damaging effect with reduced UGTA1A protein activity, especially when the variant is in the homozygous state or in the presence of additional UGT1A1 pathogenic variants (Yamamoto K et al., 1998; Sneitz N et al., 2010; Gagn JF et al., 2002; Tagawa K et al., 2022); Also known as UGT1A1*6; This variant is associated with the following publications: (PMID: 31207142, 29607327, 20975617, 25967674, 20504240, 23014115, 25200497, 24615032, 23388413, 25262004, 19243019, 23875061, 26716871, 21342357, 20528217, 19325249, 20924216, 24749086, 22046580, 21319362, 21092520, 7715297, 34007799, 16255851, 29115431, 19397531, 17850628, 21272068, 28100328, 31122244, 29179591, 30298137, 9621515, 30669781, 34074250, 31737051, 32287101, 32762156, 24448639, 11316168, 24519753, 29534743, 12502904, 27895797, 24308720, 35131284, 28585035, 26830078, 28520360, 24033692, 27220761, 18004206, 19390945, 26857783, 26604633, 11061796, 10472535, 9929972, 26417955, 24492252, 19830808, 12181437, 9784835, 16610035, 25087612, 35930428, 9630669, 8280139, 21297505, 27323053, 29137095, 15304120, 10412811)

Athena Diagnostics
Classification: Uncertain significance. Last evaluated: 2021-01-20. Review status: criteria provided, single submitter. Criteria: Athena Diagnostics Criteria. Collection method: clinical testing. Allele origin: unknown.
Comment: This observation is not an independent occurrence and has been identified in the same individual by RCIGM, the other laboratory participating in the GEMINI study.

Mendelics
Classification: Likely pathogenic for Crigler-Najjar syndrome, type II. Last evaluated: 2019-05-28. Review status: criteria provided, single submitter. Criteria: Mendelics Assertion Criteria 2017. Collection method: clinical testing. Allele origin: unknown.

CeGaT Center for Human Genetics Tuebingen
Classification: Pathogenic. Last evaluated: 2018-06-01. Review status: criteria provided, single submitter. Criteria: CeGaT Center For Human Genetics Tuebingen Variant Classification Criteria Version 2. Collection method: clinical testing. Allele origin: germline. Affected: yes. Observed: 1 variant allele.

Medical Genetics Summaries
Classification: drug response for Irinotecan response. Last evaluated: 2018-04-04. Review status: criteria provided, single submitter. Criteria: Medical Genetics Summaries: Irinotecan therapy and UGT1A1 genotype. Collection method: curation. Allele origin: germline. Affected: yes.
Comment: UGT1A1*6 appears to be an important predictor of severe toxicity to irinotecan therapy in Asian populations. In Japan, a reduced dose of irinotecan is recommended for individuals with UGT1A1 *6/*6, *6/*28, and *28/*28 genotypes.

Illumina Laboratory Services, Illumina
Classification: Likely benign for Gilbert syndrome. Last evaluated: 2017-04-27. Review status: criteria provided, single submitter. Criteria: ICSL Variant Classification Criteria 13 December 2019. Collection method: clinical testing. Allele origin: germline.
Comment: This variant was observed as part of a predisposition screen in an ostensibly healthy population. A literature search was performed for the gene, cDNA change, and amino acid change (where applicable). Publications were found based on this search. The evidence from the literature, in combination with allele frequency data from public databases where available, was sufficient to determine this variant is unlikely to cause disease. Therefore, this variant is classified as likely benign.

Knight Diagnostic Laboratories, Oregon Health and Sciences University
Classification: Likely pathogenic for Gilbert syndrome. Last evaluated: 2016-03-30. Review status: criteria provided, single submitter. Criteria: ACMG Guidelines, 2015. Collection method: clinical testing. Allele origin: germline. Affected: no. Study: CSER-NextGen.
Comment: The c.211G>A (p.Gly71Arg) missense variant in the UGT1A1 gene is a known common variant associated with Gilbert Syndrome and hyperbilirubinemia in individuals of East Asian descent. Numerous case-control studies have demonstrated this variant is significantly prevalent in affected individuals relative to unaffected controls (Fu and Liu, 2005; Lin et al., 2009; Zhou et al., 2009; Prachukthum et al., 2009; Gao et al., 2010; Long et al., 2011a; Long et al., 2011b; Chen et al., 2014). Multiple in vitro studies have shown that this variant leads to reduced enzymatic activity, and this variant is associated with elevated serum bilirubin in infants (Yamamoto et al., 1998; Sneitz et al., 2010; Chou et al., 2011). The allele frequency is high in the population databases for individuals of East Asian descent, which is expected given the high prevalence of the disease (1000 Genomes = 13.8% [EAS]; ExAC = 15.24% [EAS]). Hence, a yet unknown genetic modifier that is specific to the East Asian population may contribute to the high disease prevalence. Finally, a reputable clinical diagnostic laboratory has reported this variant as Likely Pathogenic (University of Chicago). Together, this collective evidence supports the classification of the c.211G>A (p.Gly71Arg) as a Likely Pathogenic variant for Gilbert Syndrome.

Eurofins Ntd Llc (ga)
Classification: Likely benign. Last evaluated: 2014-07-03. Review status: criteria provided, single submitter. Criteria: EGL Classification Definitions 2015. Collection method: clinical testing. Allele origin: germline. Observed: 1 variant allele, 1 heterozygote.